The following is an entry in ClinVar:

NM_000088.4(COL1A1):c.799_802del (p.His267fs)

Genes: COL1A1 (collagen type I alpha 1 chain; minus strand), LOC126862586 (CDK7 strongly-dependent group 2 enhancer GRCh37_chr17:48273702-48274901; plus strand). Cytogenetic location: 17q21.33.
Variant type: Deletion.
Coding change: c.799_802del on transcript NM_000088.4 (MANE Select); coding-DNA positions 799 to 802, 4 bases deleted (CACA; older notation c.799_802delCACA).
Protein change: p.His267fs; shifts the reading frame from histidine 267.
Molecular consequence: frameshift variant.
Genome position (GRCh38, 1-based): chr17:50,197,012-50,197,015, TGTG deleted on the plus strand (CACA on the coding strand, the reverse complement: COL1A1 is on the minus strand); deleting any 4 consecutive bases within chr17:50,197,012-50,197,016 gives the same sequence; the c. name uses the placement nearest the transcript's 3' end. VCF-style (leftmost placement, unchanged base first): chr17-50197011-CTGTG-C. GRCh37 (hg19) VCF-style: chr17-48274372-CTGTG-C.
Other names: c.799_802delCACA (NM_000088.3); short protein forms H267fs.
Identifiers: ClinVar variation 662515 (VCV000662515.7), dbSNP rs1567762262, ClinGen allele CA915950620.

ClinVar aggregate classification (germline): Pathogenic (1 of 4 stars; one submission).

Conditions:
Osteogenesis imperfecta type I (OI1). Also called: OI, TYPE I; OSTEOGENESIS IMPERFECTA TARDA; OSTEOGENESIS IMPERFECTA WITH BLUE SCLERAE; Osteogenesis imperfecta type 1; Lobstein disease; Classic Non-deforming Osteogenesis Imperfecta with Blue Sclerae. Identifiers: Orphanet 216796, Orphanet 666, MedGen C0023931, MONDO:0008146, OMIM 166200. Disease mechanism: loss of function.

Submission:

Labcorp Genetics (formerly Invitae), Labcorp
Classification: Pathogenic for Osteogenesis imperfecta type I. Last evaluated: 2018-11-20. Review status: criteria provided, single submitter. Criteria: Invitae Variant Classification Sherloc (09022015). Collection method: clinical testing. Allele origin: germline.
Comment: This sequence change creates a premature translational stop signal (p.His267Glufs*273) in the COL1A1 gene. It is expected to result in an absent or disrupted protein product. This variant is not present in population databases (ExAC no frequency). This variant has not been reported in the literature in individuals with COL1A1-related disease. Loss-of-function variants in COL1A1 are known to be pathogenic (PMID: 7942841, 9295084, 9443882). For these reasons, this variant has been classified as Pathogenic.

Literature cited by the submitters: PubMed 7942841; PubMed 9295084; PubMed 9443882.